The following is an entry in ClinVar:

NM_012470.4(TNPO3):c.1330A>G (p.Met444Val)

Gene: TNPO3 (transportin 3; minus strand). Cytogenetic location: 7q32.1.
Variant type: single nucleotide variant.
Coding change: c.1330A>G on transcript NM_012470.4 (MANE Select); coding-DNA position 1330, A replaced by G.
Protein change: p.Met444Val; replaces methionine 444 with valine.
Molecular consequence: missense variant. On other transcripts: non-coding transcript variant (16).
Genome position (GRCh38, 1-based): chr7:128,992,027, T>C on the plus strand (A>G on the coding strand, the complement: TNPO3 is on the minus strand). VCF-style: chr7-128992027-T-C. GRCh37 (hg19) VCF-style: chr7-128632081-T-C.
Other names: c.1330A>G, p.Met444Val (NM_001191028.3, NM_001382216.1, NM_001382218.1 and 2 more transcripts); c.1411A>G, p.Met471Val (NM_001382217.1); c.1222A>G, p.Met408Val (NM_001382219.1); c.1186A>G, p.Met396Val (NM_001382221.1); c.1183A>G, p.Met395Val (NM_001382222.1); short protein forms M408V, M444V, M471V, M395V, M396V.
Identifiers: ClinVar variation 2795011 (VCV002795011.3), dbSNP rs2536155303, ClinGen allele CA369231384.

ClinVar aggregate classification (germline): Uncertain significance (1 of 4 stars; one submission).

Conditions:
Autosomal dominant limb-girdle muscular dystrophy type 1F (LGMDD2). Also called: Limb-girdle muscular dystrophy, type 1F; MUSCULAR DYSTROPHY, LIMB-GIRDLE, AUTOSOMAL DOMINANT 2. Identifiers: Orphanet 55595, MedGen C1842062, MONDO:0012034, OMIM 608423.

Submission:

Labcorp Genetics (formerly Invitae), Labcorp
Classification: Uncertain significance for Autosomal dominant limb-girdle muscular dystrophy type 1F. Last evaluated: 2023-01-28. Review status: criteria provided, single submitter. Criteria: Invitae Variant Classification Sherloc (09022015). Collection method: clinical testing. Allele origin: germline.
Comment: Advanced modeling of protein sequence and biophysical properties (such as structural, functional, and spatial information, amino acid conservation, physicochemical variation, residue mobility, and thermodynamic stability) performed at Invitae indicates that this missense variant is not expected to disrupt TNPO3 protein function. This variant has not been reported in the literature in individuals affected with TNPO3-related conditions. This variant is not present in population databases (gnomAD no frequency). This sequence change replaces methionine, which is neutral and non-polar, with valine, which is neutral and non-polar, at codon 444 of the TNPO3 protein (p.Met444Val). In summary, the available evidence is currently insufficient to determine the role of this variant in disease. Therefore, it has been classified as a Variant of Uncertain Significance.